The following is an entry in ClinVar:

ClinVar aggregate classification (germline): Uncertain significance (1 of 4 stars; one submission).

Conditions:
Peroxisome biogenesis disorder 11A (Zellweger). Also called: Peroxisome biogenesis disorder 11A. Identifiers: Orphanet 912, MedGen C3554000, MONDO:0013949, OMIM 614883.

Allele frequency attached by ClinVar (database versions not stated): ExAC 0.00001; gnomAD 0.00001; gnomAD exomes 0.00001.
gnomAD v4.1: 2 of 1,613,888 alleles (0.00012%); highest among the groups gnomAD compares: African/African-American, 0.0027%; no homozygotes.

Submission:

Labcorp Genetics (formerly Invitae), Labcorp
Classification: Uncertain significance for Peroxisome biogenesis disorder 11A (Zellweger). Last evaluated: 2022-10-04. Review status: criteria provided, single submitter. Criteria: Invitae Variant Classification Sherloc (09022015). Collection method: clinical testing. Allele origin: germline.
Comment: This sequence change replaces glutamine, which is neutral and polar, with glutamic acid, which is acidic and polar, at codon 321 of the PEX13 protein (p.Gln321Glu). This variant is present in population databases (rs765658938, gnomAD 0.01%). This variant has not been reported in the literature in individuals affected with PEX13-related conditions. ClinVar contains an entry for this variant (Variation ID: 1010285). Advanced modeling of protein sequence and biophysical properties (such as structural, functional, and spatial information, amino acid conservation, physicochemical variation, residue mobility, and thermodynamic stability) performed at Invitae indicates that this missense variant is not expected to disrupt PEX13 protein function. In summary, the available evidence is currently insufficient to determine the role of this variant in disease. Therefore, it has been classified as a Variant of Uncertain Significance.

NM_002618.4(PEX13):c.961C>G (p.Gln321Glu)

Gene: PEX13 (peroxisomal biogenesis factor 13; plus strand). Cytogenetic location: 2p15.
Variant type: single nucleotide variant.
Coding change: c.961C>G on transcript NM_002618.4 (MANE Select); coding-DNA position 961, C replaced by G.
Protein change: p.Gln321Glu; replaces glutamine 321 with glutamic acid.
Molecular consequence: missense variant.
Genome position (GRCh38, 1-based): chr2:61,048,519, C>G. VCF-style: chr2-61048519-C-G. GRCh37 (hg19) VCF-style: chr2-61275654-C-G.
Other names: short protein forms Q321E.
Identifiers: ClinVar variation 1010285 (VCV001010285.6), dbSNP rs765658938, ClinGen allele CA1673405.